The following is an entry in ClinVar:

NM_000059.4(BRCA2):c.7007+1G>C

Gene: BRCA2 (BRCA2 DNA repair associated; plus strand). Cytogenetic location: 13q13.1.
Variant type: single nucleotide variant.
Coding change: c.7007+1G>C on transcript NM_000059.4 (MANE Select); the canonical splice donor site of the intron after coding-DNA position 7007, G replaced by C.
Molecular consequence: splice donor variant.
Genome position (GRCh38, 1-based): chr13:32,346,897, G>C. VCF-style: chr13-32346897-G-C. GRCh37 (hg19) VCF-style: chr13-32921034-G-C.
Other names: c.7007+1G>C (NM_001406720.1); c.6911+1G>C (NM_001406719.1); c.2075+1G>C (NM_001406721.1); c.590+1G>C (NM_001406722.1).
Identifiers: ClinVar variation 52237 (VCV000052237.28), dbSNP rs397507891, ClinGen allele CA024701.

ClinVar aggregate classification (germline): Pathogenic/Likely pathogenic. Review status: criteria provided, multiple submitters, no conflicts (2 of 4 stars). 8 submissions from 8 submitters: Pathogenic (6); Likely pathogenic (1). 1 of the submissions does not count toward it. Last evaluated 2026-03-10.

Conditions:
Inherited breast cancer and ovarian cancer.
Hereditary cancer-predisposing syndrome. Also called: Hereditary neoplastic syndrome; Neoplastic Syndromes, Hereditary; Hereditary Cancer Syndrome; Tumor predisposition. Identifiers: Orphanet 140162, MedGen C0027672, MeSH D009386, MONDO:0015356.
Hereditary breast ovarian cancer syndrome. Also called: Hereditary breast and ovarian cancer syndrome (HBOC); Breast and ovarian cancer; Hereditary breast and ovarian cancer syndrome; BRCA1- and BRCA2-Associated Hereditary Breast and Ovarian Cancer; Hereditary breast and/or ovarian cancer syndrome; Hereditary breast and ovarian cancer. Identifiers: Orphanet 145, MedGen C0677776, MeSH D061325, MONDO:0003582. Disease mechanism: loss of function.
Breast-ovarian cancer, familial, susceptibility to, 2 (BROVCA2). Also called: BRCA2 Hereditary Breast and Ovarian Cancer. Identifiers: Orphanet 145, MedGen C2675520, MONDO:0012933, OMIM 612555. Disease mechanism: loss of function.

Allele frequency attached by ClinVar (database versions not stated): gnomAD exomes below 0.00001.
gnomAD v4.1: 1 of 1,603,072 alleles (0.000062%); highest among the groups gnomAD compares: Non-Finnish European, 0.000085%; no homozygotes.

Submissions (8):

Women's Health and Genetics/Laboratory Corporation of America, LabCorp
Classification: Pathogenic for Hereditary breast ovarian cancer syndrome. Last evaluated: 2026-03-10. Review status: criteria provided, single submitter. Criteria: LabCorp Variant Classification Summary - May 2015. Collection method: clinical testing. Allele origin: germline.
Comment: Variant summary: BRCA2 c.7007+1G>C is located in a canonical splice-site and is predicted to affect mRNA splicing resulting in a significantly altered protein due to either exon skipping, shortening, or inclusion of intronic material. Variants that disrupt the consensus splice site are a relatively common cause of aberrant splicing and loss of BRCA2 function. Several computational tools predict a significant impact on normal splicing: Three predict the variant abolishes a 5' splicing donor site. At least one publication reports experimental evidence that this variant affects mRNA splicing (e.g. Whiley_2011). The variant was absent in 247222 control chromosomes. c.7007+1G>C has been observed in individuals affected with breast and/or ovarian cancer (e.g.Yadav_2020, Kechin_2023, Kansuttiviwat_2024, Cheo_2025). These data indicate that the variant is likely to be associated with disease. The following publications have been ascertained in the context of this evaluation (PMID: 21394826, 36367610, 38355628, 40068381, 32125938). ClinVar contains an entry for this variant (Variation ID: 52237). Based on the evidence outlined above, the variant was classified as pathogenic.

Labcorp Genetics (formerly Invitae), Labcorp
Classification: Pathogenic for Hereditary breast ovarian cancer syndrome. Last evaluated: 2025-12-01. Review status: criteria provided, single submitter. Criteria: Invitae Variant Classification Sherloc (09022015). Collection method: clinical testing. Allele origin: germline.
Comment: This sequence change affects a donor splice site in intron 13 of the BRCA2 gene. RNA analysis indicates that disruption of this splice site induces altered splicing and may result in an absent or altered protein product. This variant is not present in population databases (gnomAD no frequency). Disruption of this splice site has been observed in individual(s) with personal and/or family history of breast cancer (PMID: 21394826, 22505045). ClinVar contains an entry for this variant (Variation ID: 52237). Based on a multifactorial likelihood algorithm using genetic, in silico, and/or statistical data, this variant has been determined to have a high probability of being pathogenic (PMID: 21990134). Studies have shown that disruption of this splice site results in skipping of exons 12+13, and produces a non-functional protein and/or introduces a premature termination codon (PMID: 21394826, 22505045). For these reasons, this variant has been classified as Pathogenic.

Cambridge Genomics Laboratory, East Genomic Laboratory Hub, NHS Genomic Medicine Service
Classification: Likely pathogenic for Inherited breast cancer and ovarian cancer. Last evaluated: 2025-04-02. Review status: criteria provided, single submitter. Criteria: ACGS Best Practice Guidelines for Variant Classification in Rare Disease 2020. Collection method: clinical testing. Allele origin: germline. Affected: yes.
Comment: PVS1,PS1_Supporting,PM2_Supporting,BP5_Moderate

Ambry Genetics
Classification: Pathogenic for Hereditary cancer-predisposing syndrome. Last evaluated: 2024-11-06. Review status: criteria provided, single submitter. Criteria: Ambry Variant Classification Scheme 2023. Collection method: clinical testing. Allele origin: germline.
Comment: The c.7007+1G>C intronic pathogenic mutation results from a G to C substitution one nucleotide after coding exon 12 of the BRCA2 gene. Authors of one study classified this variant as a deleterious alteration based on a combination of multifactorial likelihood analysis and an in vitro splicing assay that showed two aberrant transcripts predicted to encode truncated proteins (Whiley PJ et al. Hum. Mutat. 2011 Jun;32:678-87). RNA studies have demonstrated that this variant results in abnormal splicing (Ambry internal data; Houdayer C et al. Hum. Mutat. 2012 Aug;33:1228-38; Mesman, R et al. Genet Med 2020 Aug;22(8):1355-1365). In addition to the clinical data presented in the literature, alterations that disrupt the canonical splice site are expected to cause aberrant splicing, resulting in an abnormal protein or a transcript that is subject to nonsense-mediated mRNA decay. Based on the supporting evidence, this variant is interpreted as a disease-causing mutation.

German Consortium for Hereditary Breast and Ovarian Cancer, University Hospital Cologne
Classification: Pathogenic for Hereditary breast ovarian cancer syndrome. Last evaluated: 2024-05-28. Review status: criteria provided, single submitter. Criteria: ClinGen BRCA2 V1.0.0. Collection method: curation. Allele origin: germline.
Comment: According to the ClinGen ENIGMA BRCA2 v1.0.0 criteria we chose these criteria: PVS1 (very strong pathogenic): PVS1 (RNA) (see ENIGMA Specifications Table 4), PS1 (supporting pathogenic): PS1, for exonic and intronic variants with same predicted impact on splicing, as a previously classified (likely) pathogenic variant see ENIGMA table 17, PM2 (supporting pathogenic): not in gnomAD

Color Diagnostics, LLC DBA Color Health
Classification: Pathogenic for Hereditary cancer-predisposing syndrome. Last evaluated: 2022-03-08. Review status: criteria provided, single submitter. Criteria: ACMG Guidelines, 2015. Collection method: clinical testing. Allele origin: germline.
Comment: This variant causes a G to C nucleotide substitution at the +1 position of intron 13 of the BRCA2 gene. RNA studies have shown that this variant causes out-of-frame skipping of exon 13 or exon 12 and 13, resulting in a premature translation stop signal (PMID: 21394826, 22505045, 31843900). This variant has been reported in individuals affected with pancreatic cancer (doi: 10.3390/gastroent12010002). This variant has not been identified in the general population by the Genome Aggregation Database (gnomAD). Loss of BRCA2 function is a known mechanism of disease. Based on the available evidence, this variant is classified as Pathogenic.

Consortium of Investigators of Modifiers of BRCA1/2 (CIMBA), c/o University of Cambridge
Classification: Pathogenic for Breast-ovarian cancer, familial, susceptibility to, 2. Last evaluated: 2015-10-02. Review status: criteria provided, single submitter. Criteria: CIMBA Mutation Classification guidelines May 2016. Collection method: clinical testing. Allele origin: germline.

King Laboratory, University of Washington
Classification: Pathogenic for Hereditary breast and ovarian cancer syndrome; Breast-ovarian cancer, familial 2. Last evaluated: 2019-09-01. Review status: no assertion criteria provided. Collection method: research. Allele origin: germline. Affected: yes. Not counted in ClinVar's aggregate classification.
Comment: Transcript analysis by cBROCA

Literature cited by the submitters: PubMed 21394826 (cited by 4 submitters); PubMed 32125938 (cited by Women's Health and Genetics/Laboratory Corporation of America, LabCorp); PubMed 36367610 (cited by Women's Health and Genetics/Laboratory Corporation of America, LabCorp); PubMed 38355628 (cited by Women's Health and Genetics/Laboratory Corporation of America, LabCorp); PubMed 40068381 (cited by Women's Health and Genetics/Laboratory Corporation of America, LabCorp); PubMed 22505045 (cited by 3 submitters); PubMed 21990134 (cited by Labcorp Genetics (formerly Invitae), Labcorp); PubMed 32398771 (cited by Ambry Genetics); PubMed 31843900 (cited by Color Diagnostics, LLC DBA Color Health and King Laboratory, University of Washington).